The following is an entry in ClinVar:

NM_003664.5(AP3B1):c.2521A>G (p.Ser841Gly)

Gene: AP3B1 (adaptor related protein complex 3 subunit beta 1; minus strand). Cytogenetic location: 5q14.1.
Variant type: single nucleotide variant.
Coding change: c.2521A>G on transcript NM_003664.5 (MANE Select); coding-DNA position 2521, A replaced by G.
Protein change: p.Ser841Gly; replaces serine 841 with glycine.
Molecular consequence: missense variant.
Genome position (GRCh38, 1-based): chr5:78,089,449, T>C on the plus strand (A>G on the coding strand, the complement: AP3B1 is on the minus strand). VCF-style: chr5-78089449-T-C. GRCh37 (hg19) VCF-style: chr5-77385273-T-C.
Other names: c.2374A>G, p.Ser792Gly (NM_001271769.2); c.2521A>G, p.Ser841Gly (NM_001410752.1); short protein forms S792G, S841G.
Identifiers: ClinVar variation 3632074 (VCV003632074.1).

ClinVar aggregate classification (germline): Uncertain significance (1 of 4 stars; one submission).

Conditions:
Hermansky-Pudlak syndrome 2 (HPS2). Also called: Platelet defects and oculocutaneous albinism. Identifiers: Orphanet 183678, Orphanet 79430, MedGen C1842362, MONDO:0011997, OMIM 608233.

gnomAD v4.1: 4 of 1,613,412 alleles (0.00025%); highest among the groups gnomAD compares: East Asian, 0.0045%; no homozygotes.

Submission:

Labcorp Genetics (formerly Invitae), Labcorp
Classification: Uncertain significance for Hermansky-Pudlak syndrome 2. Last evaluated: 2024-06-22. Review status: criteria provided, single submitter. Criteria: Invitae Variant Classification Sherloc (09022015). Collection method: clinical testing. Allele origin: germline.
Comment: This sequence change replaces serine, which is neutral and polar, with glycine, which is neutral and non-polar, at codon 841 of the AP3B1 protein (p.Ser841Gly). This variant is present in population databases (rs758557596, gnomAD 0.0009%). This variant has not been reported in the literature in individuals affected with AP3B1-related conditions. An algorithm developed to predict the effect of missense changes on protein structure and function (PolyPhen-2) suggests that this variant¬†is likely to be tolerated. In summary, the available evidence is currently insufficient to determine the role of this variant in disease. Therefore, it has been classified as a Variant of Uncertain Significance.